The following is an entry in ClinVar:

ClinVar aggregate classification (germline): Uncertain significance (1 of 4 stars; one submission).

Conditions:
Neurodevelopmental disorder with hypotonia, seizures, and absent language (NDHSAL). Identifiers: MedGen C4310643, MONDO:0014995, OMIM 617268.

Submission:

3billion
Classification: Uncertain significance for Neurodevelopmental disorder with hypotonia, seizures, and absent language. Last evaluated: 2025-12-17. Review status: criteria provided, single submitter. Criteria: ACMG Guidelines, 2015. Collection method: clinical testing. Allele origin: germline. Affected: yes.
Comment: The variant is not observed in the gnomAD v4.1.0 dataset. Predicted Consequence/Location: Missense variant. Missense changes are a common disease-causing mechanism. In silico tool predictions suggest damaging effect of the variant on gene or gene product [REVEL: 0.60 (>=0.6, sensitivity 0.68 and specificity 0.92); 3Cnet: 0.99 (> 0.75, sensitivity 0.96 and precision 0.92)]. Therefore, this variant is classified as VUS according to the recommendation of ACMG/AMP guideline.

NM_001348768.2(HECW2):c.3545A>T (p.Asn1182Ile)

Gene: HECW2 (HECT, C2 and WW domain containing E3 ubiquitin protein ligase 2; minus strand). Cytogenetic location: 2q32.3.
Variant type: single nucleotide variant.
Coding change: c.3545A>T on transcript NM_001348768.2 (MANE Select); coding-DNA position 3545, A replaced by T.
Protein change: p.Asn1182Ile; replaces asparagine 1182 with isoleucine.
Molecular consequence: missense variant.
Genome position (GRCh38, 1-based): chr2:196,242,189, T>A on the plus strand (A>T on the coding strand, the complement: HECW2 is on the minus strand). VCF-style: chr2-196242189-T-A. GRCh37 (hg19) VCF-style: chr2-197106913-T-A.
Other names: c.2477A>T, p.Asn826Ile (NM_001304840.3); c.3545A>T, p.Asn1182Ile (NM_020760.4); short protein forms N1182I, N826I.
Identifiers: ClinVar variation 4854634 (VCV004854634.1).